The following is an entry in ClinVar:

ClinVar aggregate classification (germline): Uncertain significance. Review status: criteria provided, multiple submitters, no conflicts (2 of 4 stars). 4 submissions from 4 submitters: Uncertain significance (4). Last evaluated 2025-06-09.

Conditions:
Hereditary cancer-predisposing syndrome. Also called: Hereditary neoplastic syndrome; Tumor predisposition; Neoplastic Syndromes, Hereditary; Hereditary Cancer Syndrome. Identifiers: Orphanet 140162, MedGen C0027672, MeSH D009386, MONDO:0015356.
Familial adenomatous polyposis 1 (FAP1). Also called: FAMILIAL ADENOMATOUS POLYPOSIS 1, ATTENUATED; POLYPOSIS, ADENOMATOUS INTESTINAL. Identifiers: MedGen C2713442, MONDO:0021056, OMIM 175100. Disease mechanism: loss of function.

Allele frequency attached by ClinVar (database versions not stated): gnomAD exomes below 0.00001.
gnomAD v4.1: 4 of 1,613,978 alleles (0.00025%); highest among the groups gnomAD compares: Non-Finnish European, 0.000085%; no homozygotes.

Submissions (4):

Labcorp Genetics (formerly Invitae), Labcorp
Classification: Uncertain significance for Familial adenomatous polyposis 1. Last evaluated: 2025-06-09. Review status: criteria provided, single submitter. Criteria: Invitae Variant Classification Sherloc (09022015). Collection method: clinical testing. Allele origin: germline.
Comment: This sequence change replaces threonine, which is neutral and polar, with isoleucine, which is neutral and non-polar, at codon 1261 of the APC protein (p.Thr1261Ile). This variant is not present in population databases (gnomAD no frequency). This variant has not been reported in the literature in individuals affected with APC-related conditions. ClinVar contains an entry for this variant (Variation ID: 420688). Invitae Evidence Modeling of protein sequence and biophysical properties (such as structural, functional, and spatial information, amino acid conservation, physicochemical variation, residue mobility, and thermodynamic stability) indicates that this missense variant is not expected to disrupt APC protein function with a negative predictive value of 95%. In summary, the available evidence is currently insufficient to determine the role of this variant in disease. Therefore, it has been classified as a Variant of Uncertain Significance.

Ambry Genetics
Classification: Uncertain significance for Hereditary cancer-predisposing syndrome. Last evaluated: 2024-04-05. Review status: criteria provided, single submitter. Criteria: Ambry Variant Classification Scheme 2023. Collection method: clinical testing. Allele origin: germline.
Comment: The p.T1261I variant (also known as c.3782C>T), located in coding exon 15 of the APC gene, results from a C to T substitution at nucleotide position 3782. The threonine at codon 1261 is replaced by isoleucine, an amino acid with similar properties. This amino acid position is highly conserved in available vertebrate species. In addition, in silico predictors for this gene do not accurately predict pathogenicity. Since supporting evidence is limited at this time, the clinical significance of this alteration remains unclear.

Baylor Genetics
Classification: Uncertain significance for Familial adenomatous polyposis 1. Last evaluated: 2023-08-11. Review status: criteria provided, single submitter. Criteria: ACMG Guidelines, 2015. Collection method: clinical testing. Allele origin: unknown.

GeneDx
Classification: Uncertain significance. Last evaluated: 2023-07-05. Review status: criteria provided, single submitter. Criteria: GeneDx Variant Classification Process June 2021. Collection method: clinical testing. Allele origin: germline. Affected: yes.
Comment: Not observed at significant frequency in large population cohorts (gnomAD); In silico analysis supports that this missense variant has a deleterious effect on protein structure/function; Has not been previously published as pathogenic or benign to our knowledge; This variant is associated with the following publications: (PMID: 25742471)

NM_000038.6(APC):c.3782C>T (p.Thr1261Ile)

Gene: APC (APC regulator of Wnt signaling pathway; plus strand). Cytogenetic location: 5q22.2.
Variant type: single nucleotide variant.
Coding change: c.3782C>T on transcript NM_000038.6 (MANE Select); coding-DNA position 3782, C replaced by T.
Protein change: p.Thr1261Ile; replaces threonine 1261 with isoleucine.
Molecular consequence: missense variant.
Genome position (GRCh38, 1-based): chr5:112,839,376, C>T. VCF-style: chr5-112839376-C-T. GRCh37 (hg19) VCF-style: chr5-112175073-C-T.
Other names: c.3782C>T, p.Thr1261Ile (NM_001127510.3, NM_001354895.2); c.3728C>T, p.Thr1243Ile (NM_001127511.3); c.3836C>T, p.Thr1279Ile (NM_001354896.2); c.3812C>T, p.Thr1271Ile (NM_001354897.2); c.3707C>T, p.Thr1236Ile (NM_001354898.2); c.3698C>T, p.Thr1233Ile (NM_001354899.2); c.3659C>T, p.Thr1220Ile (NM_001354900.2); c.3605C>T, p.Thr1202Ile (NM_001354901.2); and 5 more; short protein forms T1243I, T1261I, T1101I, T1135I, T1236I, T1271I, T978I, T1170I.
Identifiers: ClinVar variation 420688 (VCV000420688.19), dbSNP rs1064794636, ClinGen allele CA16029628.
Genomic context (GRCh38, chr5:112,839,376, plus strand): 5'-GTCAGCCTCAAAAGGCTGCCACTTGCAAAGTTTCTTCTATTAACCAAGAAACAATACAGA[C>T]TTATTGTGTAGAAGATACTCCAATATGTTTTTCAAGATGTAGTTCATTATCATCTTTGTC-3'
Protein context (NP_000029.2, residues 1251-1271): VSSINQETIQ[Thr1261Ile]YCVEDTPICF